The following is an entry in ClinVar:

ClinVar aggregate classification (germline): Uncertain significance (1 of 4 stars; one submission).

Allele frequency attached by ClinVar (database versions not stated): gnomAD exomes below 0.00001.
gnomAD v4.1: 1 of 1,602,138 alleles (0.000062%); highest among the groups gnomAD compares: Non-Finnish European, 0.000085%; no homozygotes.

Submission:

Labcorp Genetics (formerly Invitae), Labcorp
Classification: Uncertain significance. Last evaluated: 2021-05-31. Review status: criteria provided, single submitter. Criteria: Invitae Variant Classification Sherloc (09022015). Collection method: clinical testing. Allele origin: germline.
Comment: This variant has not been reported in the literature in individuals with KCNJ13-related conditions. This variant is not present in population databases (ExAC no frequency). This sequence change replaces alanine with threonine at codon 155 of the KCNJ13 protein (p.Ala155Thr). The alanine residue is moderately conserved and there is a small physicochemical difference between alanine and threonine. Algorithms developed to predict the effect of missense changes on protein structure and function are either unavailable or do not agree on the potential impact of this missense change (SIFT: "Tolerated"; PolyPhen-2: "Probably Damaging"; Align-GVGD: "Class C0"). In summary, the available evidence is currently insufficient to determine the role of this variant in disease. Therefore, it has been classified as a Variant of Uncertain Significance.

NM_002242.4(KCNJ13):c.463G>A (p.Ala155Thr)

Genes: GIGYF2 (GRB10 interacting GYF protein 2; plus strand), KCNJ13 (potassium inwardly rectifying channel subfamily J member 13; minus strand). Cytogenetic location: 2q37.1.
Variant type: single nucleotide variant.
Coding change: c.463G>A on transcript NM_002242.4 (MANE Select); coding-DNA position 463, G replaced by A.
Protein change: p.Ala155Thr; replaces alanine 155 with threonine.
Molecular consequence: missense variant. On other transcripts: intron variant (4).
Genome position (GRCh38, 1-based): chr2:232,768,811, C>T on the plus strand (G>A on the coding strand, the complement: KCNJ13 is on the minus strand). VCF-style: chr2-232768811-C-T. GRCh37 (hg19) VCF-style: chr2-233633521-C-T.
Other names: c.227G>A, p.Cys76Tyr (NM_001172416.1); c.223G>A, p.Ala75Thr (NM_001172417.1); c.532+7375C>T (NM_001103146.3, NM_015575.4, NM_001103147.2 and 1 more transcripts); short protein forms A75T, A155T, C76Y.
Identifiers: ClinVar variation 1357992 (VCV001357992.8), dbSNP rs1574857117, ClinGen allele CA351010645.